The following is an entry in ClinVar:

NM_001365536.1(SCN9A):c.4855C>T (p.Arg1619Ter)

Genes: SCN9A (sodium voltage-gated channel alpha subunit 9; minus strand), SCN1A-AS1 (SCN1A and SCN9A antisense RNA 1; plus strand). Cytogenetic location: 2q24.3.
Variant type: single nucleotide variant.
Coding change: c.4855C>T on transcript NM_001365536.1 (MANE Select); coding-DNA position 4855, C replaced by T.
Protein change: p.Arg1619Ter; replaces arginine 1619 with a stop codon.
Molecular consequence: nonsense. On other transcripts: non-coding transcript variant (1).
Genome position (GRCh38, 1-based): chr2:166,199,784, G>A on the plus strand (C>T on the coding strand, the complement: SCN9A is on the minus strand). VCF-style: chr2-166199784-G-A. GRCh37 (hg19) VCF-style: chr2-167056294-G-A.
Other names: c.4822C>T, p.Arg1608Ter (NM_002977.4); short protein forms R1608*, R1619*.
Identifiers: ClinVar variation 1075155 (VCV001075155.12), dbSNP rs779609081, ClinGen allele CA1943760.
Genomic context (GRCh38, chr2:166,199,784, plus strand): 5'-TCATCAAAGCAAAGAGCAGCGTGCGGATCCCCTTTGCTCCTTTGACTAGACGTAGGATTC[G>A]GCCAATCCTGGCAAGACGGATCACTCGGAACAGGGTAGGGGACACAAAATACGTTTCAAT-3'

ClinVar aggregate classification (germline): Pathogenic/Likely pathogenic. Review status: criteria provided, multiple submitters, no conflicts (2 of 4 stars). 2 submissions from 2 submitters: Pathogenic (1); Likely pathogenic (1). Last evaluated 2023-06-19.

Conditions:
Generalized epilepsy with febrile seizures plus, type 7 (GEFSP7). Also called: GEFS+, TYPE 7. Identifiers: Orphanet 36387, MedGen C2751778, MONDO:0013470, OMIM 613863.
Neuropathy, hereditary sensory and autonomic, type 2A (HSAN2A). Also called: WNK1-Related HSAN2 (HSAN2A); HSAN IIA; NEUROPATHY, HEREDITARY SENSORY, TYPE IIA; NEUROPATHY, PROGRESSIVE SENSORY, OF CHILDREN; MORVAN DISEASE; NEUROPATHY, CONGENITAL SENSORY. Identifiers: Orphanet 970, MedGen C2752089, MONDO:0024309, OMIM 201300.

Allele frequency attached by ClinVar (database versions not stated): gnomAD exomes below 0.00001; ExAC 0.00001.

Submissions (2):

Revvity Omics, Revvity
Classification: Likely pathogenic. Last evaluated: 2023-06-19. Review status: criteria provided, single submitter. Criteria: ACMG Guidelines, 2015. Collection method: clinical testing. Allele origin: germline.

Labcorp Genetics (formerly Invitae), Labcorp
Classification: Pathogenic for Neuropathy, hereditary sensory and autonomic, type 2A; Generalized epilepsy with febrile seizures plus, type 7. Last evaluated: 2020-03-26. Review status: criteria provided, single submitter. Criteria: Invitae Variant Classification Sherloc (09022015). Collection method: clinical testing. Allele origin: germline.
Comment: This sequence change results in a premature translational stop signal in the SCN9A gene (p.Arg1608*). While this is not anticipated to result in nonsense mediated decay, it is expected to disrupt the last 370 amino acids of the SCN9A protein. This variant is present in population databases (rs779609081, ExAC 0.009%). This variant has not been reported in the literature in individuals with SCN9A-related conditions. This variant disrupts the C-terminus of the SCN9A protein. Other variant(s) that disrupt this region (p.Glu1773Glyfs*14) have been determined to be pathogenic (PMID: 25253744). This suggests that variants that disrupt this region of the protein are likely to be causative of disease. For these reasons, this variant has been classified as Pathogenic.

Literature cited by the submitters: PubMed 25253744 (cited by Labcorp Genetics (formerly Invitae), Labcorp).